The following is an entry in ClinVar:

ClinVar aggregate classification (germline): Uncertain significance (1 of 4 stars; one submission).

Submission:

Labcorp Genetics (formerly Invitae), Labcorp
Classification: Uncertain significance. Last evaluated: 2022-06-01. Review status: criteria provided, single submitter. Criteria: Invitae Variant Classification Sherloc (09022015). Collection method: clinical testing. Allele origin: germline.
Comment: This sequence change replaces methionine, which is neutral and non-polar, with isoleucine, which is neutral and non-polar, at codon 122 of the BDNF protein (p.Met122Ile). In summary, the available evidence is currently insufficient to determine the role of this variant in disease. Therefore, it has been classified as a Variant of Uncertain Significance. Algorithms developed to predict the effect of missense changes on protein structure and function are either unavailable or do not agree on the potential impact of this missense change (SIFT: "Deleterious"; PolyPhen-2: "Not Available"; Align-GVGD: "Class C0"). This variant has not been reported in the literature in individuals affected with BDNF-related conditions. This variant is not present in population databases (gnomAD no frequency).

NM_001709.5(BDNF):c.366G>T (p.Met122Ile)

Genes: BDNF (brain derived neurotrophic factor; minus strand), BDNF-AS (BDNF antisense RNA; plus strand). Cytogenetic location: 11p14.1.
Variant type: single nucleotide variant.
Coding change: c.366G>T on transcript NM_001709.5 (MANE Select); coding-DNA position 366, G replaced by T.
Protein change: p.Met122Ile; replaces methionine 122 with isoleucine.
Molecular consequence: missense variant.
Genome position (GRCh38, 1-based): chr11:27,658,199, C>A on the plus strand (G>T on the coding strand, the complement: BDNF is on the minus strand). VCF-style: chr11-27658199-C-A. GRCh37 (hg19) VCF-style: chr11-27679746-C-A.
Other names: c.366G>T, p.Met122Ile (NM_001143805.1, NM_001143806.1, NM_001143807.2 and 9 more transcripts); c.453G>T, p.Met151Ile (NM_001143809.2); c.612G>T, p.Met204Ile (NM_001143810.2); c.390G>T, p.Met130Ile (NM_170731.5); c.411G>T, p.Met137Ile (NM_170734.4); short protein forms M130I, M204I, M122I, M137I, M151I.
Identifiers: ClinVar variation 2001803 (VCV002001803.4), dbSNP rs2538962988, ClinGen allele CA380074226.